The following is an entry in ClinVar:

NM_007327.4(GRIN1):c.570+16G>A

Gene: GRIN1 (glutamate ionotropic receptor NMDA type subunit 1; plus strand). Cytogenetic location: 9q34.3.
Variant type: single nucleotide variant.
Coding change: c.570+16G>A on transcript NM_007327.4 (MANE Select); 16 bases into the intron after coding-DNA position 570, G replaced by A.
Molecular consequence: intron variant.
Genome position (GRCh38, 1-based): chr9:137,145,918, G>A. VCF-style: chr9-137145918-G-A. GRCh37 (hg19) VCF-style: chr9-140040370-G-A.
Other names: c.570+16G>A (NM_001185090.2, NM_001185091.2, NM_021569.4 and 1 more transcripts).
Identifiers: ClinVar variation 517783 (VCV000517783.8), dbSNP rs201978748, ClinGen allele CA5360679.
Genomic context (GRCh38, chr9:137,145,918, plus strand): 5'-GCTCAGAAACGCCTGGAGACGCTGCTGGAGGAGCGTGAGTCCAAGGTGAGGGTCGGCGCC[G>A]CGGGTGGGCGCCTGGCGGAGCCGAGGTGCAGGACGGGCCGCCTTGTGTCTGTGGCTCCGT-3'

ClinVar aggregate classification (germline): Likely benign. Review status: criteria provided, multiple submitters, no conflicts (2 of 4 stars). 4 submissions from 4 submitters: Likely benign (4). Last evaluated 2026-01-17.

Conditions:
Neurodevelopmental disorder with or without hyperkinetic movements and seizures, autosomal dominant. Also called: Intellectual disability, autosomal dominant 8. Identifiers: MedGen C3280282, MONDO:0013655, OMIM 614254.

Allele frequency attached by ClinVar (database versions not stated): ESP Exome Variant Server 0.00008; TOPMed 0.00010; 1000 Genomes Project 30x 0.00031; 1000 Genomes Project 0.00040.
gnomAD v4.1: 25 of 1,575,352 alleles (0.0016%); highest among the groups gnomAD compares: African/African-American, 0.012%; no homozygotes.

Submissions (4):

Labcorp Genetics (formerly Invitae), Labcorp
Classification: Likely benign for Neurodevelopmental disorder with or without hyperkinetic movements and seizures, autosomal dominant. Last evaluated: 2026-01-17. Review status: criteria provided, single submitter. Criteria: Invitae Variant Classification Sherloc (09022015). Collection method: clinical testing. Allele origin: germline.

Women's Health and Genetics/Laboratory Corporation of America, LabCorp
Classification: Likely benign. Last evaluated: 2023-11-09. Review status: criteria provided, single submitter. Criteria: LabCorp Variant Classification Summary - May 2015. Collection method: clinical testing. Allele origin: germline.
Comment: Variant summary: GRIN1 c.570+16G>A alters a non-conserved nucleotide located at a position not widely known to affect splicing. Consensus agreement among computation tools predict no significant impact on normal splicing. However, these predictions have yet to be confirmed by functional studies. The variant allele was found at a frequency of 1.6e-05 in 1575352 control chromosomes (i.e., 25 heterozygotes; gnomAD v4.0.0). The available data on variant occurrences in the general population are insufficient to allow any conclusion about variant significance, although are not suggestive of a variant associated with highly penetrant autosomal dominant disease. To our knowledge, no occurrence of c.570+16G>A in individuals affected with Neurodevelopmental Disorder With Or Without Hyperkinetic Movements And Seizures, Autosomal Dominant and no experimental evidence demonstrating its impact on protein function have been reported. Two submitters have reported clinical-significance assessments for this variant to ClinVar after 2014. All submitters classified the variant as likely benign. Based on the evidence outlined above, the variant was classified as likely benign.

Blueprint Genetics
Classification: Likely benign. Last evaluated: 2022-10-06. Review status: criteria provided, single submitter. Criteria: ACMG Guidelines, 2015. Collection method: clinical testing. Allele origin: germline.

GeneDx
Classification: Likely benign. Last evaluated: 2017-03-16. Review status: criteria provided, single submitter. Criteria: GeneDx Variant Classification (06012015). Collection method: clinical testing. Allele origin: germline. Affected: yes.
Comment: This variant is considered likely benign or benign based on one or more of the following criteria: it is a conservative change, it occurs at a poorly conserved position in the protein, it is predicted to be benign by multiple in silico algorithms, and/or has population frequency not consistent with disease.